The following is an entry in ClinVar:

ClinVar aggregate classification (germline): Uncertain significance (1 of 4 stars; one submission).

Conditions:
AFF4-related disorder. Also called: AFF4-related condition.

Submission:

GeneDx
Classification: Uncertain significance. Last evaluated: 2023-09-14. Review status: criteria provided, single submitter. Criteria: GeneDx Variant Classification Process June 2021. Collection method: clinical testing. Allele origin: germline. Affected: yes.
Comment: Not observed in large population cohorts (gnomAD); In silico analysis, which includes protein predictors and evolutionary conservation, supports that this variant does not alter protein structure/function; Has not been previously published as pathogenic or benign to our knowledge

NM_014423.4(AFF4):c.1615G>C (p.Gly539Arg)

Gene: AFF4 (ALF transcription elongation factor 4; minus strand). Cytogenetic location: 5q31.1.
Variant type: single nucleotide variant.
Coding change: c.1615G>C on transcript NM_014423.4 (MANE Select); coding-DNA position 1615, G replaced by C.
Protein change: p.Gly539Arg; replaces glycine 539 with arginine.
Molecular consequence: missense variant.
Genome position (GRCh38, 1-based): chr5:132,897,015, C>G on the plus strand (G>C on the coding strand, the complement: AFF4 is on the minus strand). VCF-style: chr5-132897015-C-G. GRCh37 (hg19) VCF-style: chr5-132232707-C-G.
Other names: short protein forms G539R.
Identifiers: ClinVar variation 1311058 (VCV001311058.5), dbSNP rs2150073079, ClinGen allele CA360938738.
Genomic context (GRCh38, chr5:132,897,015, plus strand): 5'-TCTGTGTTGTGCTGTCACTCTGTGCAGGAGATTTCTGCCTCCCACGCCCACTTTCTGATC[C>G]CTTTTGGATGGTTTTGGAGTCTCGTCCCGGAGTAGCGGAACTCGTTTCTTTAGGTCCACT-3'
Protein context (NP_055238.1, residues 529-549): PGRDSKTIQK[Gly539Arg]SESGRGRQKS